The following is an entry in ClinVar:

NM_001370165.1(SYTL4):c.1982G>A (p.Arg661His)

Gene: SYTL4 (synaptotagmin like 4; minus strand). Cytogenetic location: Xq22.1.
Variant type: single nucleotide variant.
Coding change: c.1982G>A on transcript NM_001370165.1 (MANE Select); coding-DNA position 1982, G replaced by A.
Protein change: p.Arg661His; replaces arginine 661 with histidine.
Molecular consequence: missense variant. On other transcripts: 3 prime UTR variant (1).
Genome position (GRCh38, 1-based): chrX:100,676,062, C>T on the plus strand (G>A on the coding strand, the complement: SYTL4 is on the minus strand). VCF-style: chrX-100676062-C-T. GRCh37 (hg19) VCF-style: chrX-99931059-C-T.
Other names: c.1982G>A, p.Arg661His (NM_001129896.3, NM_001174068.2, NM_001370160.1 and 8 more transcripts); c.*105G>A (NM_001370162.1); short protein forms R661H.
Identifiers: ClinVar variation 4813086 (VCV004813086.1).

ClinVar aggregate classification (germline): Uncertain significance (1 of 4 stars; one submission).

Conditions:
Congenital portosystemic shunt. Identifiers: Orphanet 480531, MedGen C1290495, MONDO:0018811.

gnomAD v4.1: 290 of 1,208,117 alleles (0.024%); highest among the groups gnomAD compares: East Asian, 0.5%; no homozygotes.

Submission:

Department of Pediatrics, Graduate School of Medical Sciences, Kyushu University
Classification: Uncertain significance for Congenital portosystemic shunt. Last evaluated: 2026-02-27. Review status: criteria provided, single submitter. Criteria: ACMG Guidelines, 2015. Collection method: research. Allele origin: germline. Affected: yes.
Comment: The variant is absent or extremely rare in population databases including gnomAD. In silico prediction tools, including CADD, suggest a deleterious effect on the protein. However, the association between this gene and CPSS has not been established. Therefore, the clinical significance of this variant is currently classified as a variant of uncertain significance (VUS).